The following is an entry in ClinVar:

NM_006231.4(POLE):c.4085T>G (p.Ile1362Ser)

Gene: POLE (DNA polymerase epsilon, catalytic subunit; minus strand). Cytogenetic location: 12q24.33.
Variant type: single nucleotide variant.
Coding change: c.4085T>G on transcript NM_006231.4 (MANE Select); coding-DNA position 4085, T replaced by G.
Protein change: p.Ile1362Ser; replaces isoleucine 1362 with serine.
Molecular consequence: missense variant.
Genome position (GRCh38, 1-based): chr12:132,648,993, A>C on the plus strand (T>G on the coding strand, the complement: POLE is on the minus strand). VCF-style: chr12-132648993-A-C. GRCh37 (hg19) VCF-style: chr12-133225579-A-C.
Other names: short protein forms I1362S.
Identifiers: ClinVar variation 2769757 (VCV002769757.3), dbSNP rs776047820, ClinGen allele CA387383771.

ClinVar aggregate classification (germline): Uncertain significance (1 of 4 stars; one submission).

Submission:

Labcorp Genetics (formerly Invitae), Labcorp
Classification: Uncertain significance. Last evaluated: 2023-10-18. Review status: criteria provided, single submitter. Criteria: Invitae Variant Classification Sherloc (09022015). Collection method: clinical testing. Allele origin: germline.
Comment: This sequence change replaces isoleucine, which is neutral and non-polar, with serine, which is neutral and polar, at codon 1362 of the POLE protein (p.Ile1362Ser). This variant is not present in population databases (gnomAD no frequency). This variant has not been reported in the literature in individuals affected with POLE-related conditions. Advanced modeling of protein sequence and biophysical properties (such as structural, functional, and spatial information, amino acid conservation, physicochemical variation, residue mobility, and thermodynamic stability) performed at Invitae indicates that this missense variant is not expected to disrupt POLE protein function. In summary, the available evidence is currently insufficient to determine the role of this variant in disease. Therefore, it has been classified as a Variant of Uncertain Significance.